The following is an entry in ClinVar:

ClinVar aggregate classification (germline): Pathogenic. Review status: criteria provided, multiple submitters, no conflicts (2 of 4 stars). 2 submissions from 2 submitters: Pathogenic (2). Last evaluated 2025-07-30.

Conditions:
Hereditary cancer-predisposing syndrome. Also called: Tumor predisposition; Hereditary neoplastic syndrome; Neoplastic Syndromes, Hereditary; Hereditary Cancer Syndrome. Identifiers: Orphanet 140162, MedGen C0027672, MeSH D009386, MONDO:0015356.
Familial cancer of breast. Also called: Hereditary breast cancer; hereditary breast carcinoma; BREAST CANCER, FAMILIAL. Identifiers: Orphanet 227535, MedGen C0346153, MONDO:0016419, OMIM 114480. Disease mechanism: loss of function.

Submissions (2):

Labcorp Genetics (formerly Invitae), Labcorp
Classification: Pathogenic for Familial cancer of breast. Last evaluated: 2025-07-30. Review status: criteria provided, single submitter. Criteria: Invitae Variant Classification Sherloc (09022015). Collection method: clinical testing. Allele origin: germline.
Comment: This sequence change creates a premature translational stop signal (p.Leu355Phefs*4) in the PALB2 gene. It is expected to result in an absent or disrupted protein product. Loss-of-function variants in PALB2 are known to be pathogenic (PMID: 17200668, 17200671, 17200672, 24136930, 25099575). This variant is not present in population databases (gnomAD no frequency). This variant has not been reported in the literature in individuals affected with PALB2-related conditions. ClinVar contains an entry for this variant (Variation ID: 1071440). For these reasons, this variant has been classified as Pathogenic.

Ambry Genetics
Classification: Pathogenic for Hereditary cancer-predisposing syndrome. Last evaluated: 2020-05-14. Review status: criteria provided, single submitter. Criteria: Ambry Variant Classification Scheme 2023. Collection method: clinical testing. Allele origin: germline.
Comment: The c.1065_1069delAAAAT variant, located in coding exon 4 of the PALB2 gene, results from a deletion of 5 nucleotides at nucleotide positions 1065 to 1069, causing a translational frameshift with a predicted alternate stop codon (p.L355Ffs*4). This alteration is expected to result in loss of function by premature protein truncation or nonsense-mediated mRNA decay. As such, this alteration is interpreted as a disease-causing mutation.

Literature cited by the submitters: PubMed 17200668 (cited by Labcorp Genetics (formerly Invitae), Labcorp); PubMed 17200671 (cited by Labcorp Genetics (formerly Invitae), Labcorp); PubMed 17200672 (cited by Labcorp Genetics (formerly Invitae), Labcorp); PubMed 24136930 (cited by Labcorp Genetics (formerly Invitae), Labcorp); PubMed 25099575 (cited by Labcorp Genetics (formerly Invitae), Labcorp).

NM_024675.4(PALB2):c.1065_1069del (p.Leu355fs)

Gene: PALB2 (partner and localizer of BRCA2; minus strand). Cytogenetic location: 16p12.2.
Variant type: Deletion.
Coding change: c.1065_1069del on transcript NM_024675.4 (MANE Select); coding-DNA positions 1065 to 1069, 5 bases deleted (AAAAT; older notation c.1065_1069delAAAAT).
Protein change: p.Leu355fs; shifts the reading frame from leucine 355.
Molecular consequence: frameshift variant.
Genome position (GRCh38, 1-based): chr16:23,635,477-23,635,481, ATTTT deleted on the plus strand (AAAAT on the coding strand, the reverse complement: PALB2 is on the minus strand); deleting any 5 consecutive bases within chr16:23,635,477-23,635,482 gives the same sequence; the c. name uses the placement nearest the transcript's 3' end. VCF-style (leftmost placement, unchanged base first): chr16-23635476-GATTTT-G. GRCh37 (hg19) VCF-style: chr16-23646797-GATTTT-G.
Other names: short protein forms L355fs.
Identifiers: ClinVar variation 1071440 (VCV001071440.11), dbSNP rs2142426807, ClinGen allele CA2499223441.